The following is an entry in ClinVar:

ClinVar aggregate classification (germline): Conflicting classifications of pathogenicity. Review status: criteria provided, conflicting classifications (1 of 4 stars). 2 submissions from 2 submitters: Uncertain significance (1); Likely benign (1). Last evaluated 2026-01-18.

Conditions:
Long QT syndrome (LQTS). Identifiers: MedGen C0023976, MeSH D008133, MONDO:0002442. Disease mechanism: loss of function. Inheritance: Various modes of inheritance.
Cardiovascular phenotype. Identifiers: MedGen CN230736.

Allele frequency attached by ClinVar (database versions not stated): ExAC 0.00001; gnomAD exomes 0.00001 and 0.00002; gnomAD 0.00003; TOPMed 0.00003.
gnomAD v4.1: 38 of 1,613,626 alleles (0.0024%); highest among the groups gnomAD compares: Middle Eastern, 0.082%; no homozygotes.

Submissions (2):

Labcorp Genetics (formerly Invitae), Labcorp
Classification: Uncertain significance for Long QT syndrome. Last evaluated: 2026-01-18. Review status: criteria provided, single submitter. Criteria: Invitae Variant Classification Sherloc (09022015). Collection method: clinical testing. Allele origin: germline.
Comment: This sequence change replaces leucine, which is neutral and non-polar, with glutamine, which is neutral and polar, at codon 2592 of the AKAP9 protein (p.Leu2592Gln). This variant is present in population databases (rs754011064, gnomAD 0.004%). This missense change has been observed in individual(s) with arrhythmia (PMID: 30847666). ClinVar contains an entry for this variant (Variation ID: 263985). An algorithm developed to predict the effect of missense changes on protein structure and function (PolyPhen-2) suggests that this variant is likely to be disruptive. In summary, the available evidence is currently insufficient to determine the role of this variant in disease. Therefore, it has been classified as a Variant of Uncertain Significance.

Ambry Genetics
Classification: Likely benign for Cardiovascular phenotype. Last evaluated: 2024-04-22. Review status: criteria provided, single submitter. Criteria: Ambry Variant Classification Scheme 2023. Collection method: clinical testing. Allele origin: germline.

Literature cited by the submitters: PubMed 30847666 (cited by Labcorp Genetics (formerly Invitae), Labcorp).

NM_005751.5(AKAP9):c.7775T>A (p.Leu2592Gln)

Gene: AKAP9 (A-kinase anchoring protein 9; plus strand). Cytogenetic location: 7q21.2.
Variant type: single nucleotide variant.
Coding change: c.7775T>A on transcript NM_005751.5 (MANE Select); coding-DNA position 7775, T replaced by A.
Protein change: p.Leu2592Gln; replaces leucine 2592 with glutamine.
Molecular consequence: missense variant.
Genome position (GRCh38, 1-based): chr7:92,079,908, T>A. VCF-style: chr7-92079908-T-A. GRCh37 (hg19) VCF-style: chr7-91709222-T-A.
Other names: c.2420T>A, p.Leu807Gln (NM_001379277.1); c.7751T>A, p.Leu2584Gln (NM_147185.3); short protein forms L2592Q, L2584Q, L807Q.
Identifiers: ClinVar variation 263985 (VCV000263985.15), dbSNP rs754011064, ClinGen allele CA4337342.
Genomic context (GRCh38, chr7:92,079,908, plus strand): 5'-AAGATAATCAAACAATTTCATCAGAACCTGAAAGAACAAATATTCAGAATTTAAATCAAC[T>A]AAGAGAAGATGAGTTGGGGTCAGATATATCAGCATTAACCTTGAGAATATCAGAATTAGA-3'
Protein context (NP_005742.4, residues 2582-2602): ERTNIQNLNQ[Leu2592Gln]REDELGSDIS